The following is an entry in ClinVar:

ClinVar aggregate classification (germline): Benign (1 of 4 stars; one submission).

Conditions:
Tuberous sclerosis 2 (TSC2). Identifiers: Orphanet 805, MedGen C1860707, MONDO:0013199, OMIM 613254.

Submission:

Myriad Genetics, Inc.
Classification: Benign for Tuberous sclerosis 2. Last evaluated: 2025-06-03. Review status: criteria provided, single submitter. Criteria: Myriad Autosomal Dominant, Autosomal Recessive and X-Linked Classification Criteria (2023). Collection method: clinical testing. Allele origin: unknown.
Comment: This variant is considered benign. This variant is a silent/synonymous amino acid change and it is not expected to impact splicing.

NM_000548.5(TSC2):c.4299G>T (p.Ser1433=)

Gene: TSC2 (TSC complex subunit 2; plus strand). Cytogenetic location: 16p13.3.
Variant type: single nucleotide variant.
Coding change: c.4299G>T on transcript NM_000548.5 (MANE Select); coding-DNA position 4299, G replaced by T.
Protein change: p.Ser1433=; no amino-acid change (serine 1433 retained).
Molecular consequence: synonymous variant. On other transcripts: non-coding transcript variant (5).
Genome position (GRCh38, 1-based): chr16:2,084,521, G>T. VCF-style: chr16-2084521-G-T. GRCh37 (hg19) VCF-style: chr16-2134522-G-T.
Other names: c.4098G>T, p.Ser1366= (NM_001077183.3); c.4167G>T, p.Ser1389= (NM_001370404.1); c.3954G>T, p.Ser1318= (NM_001318829.2); c.3567G>T, p.Ser1189= (NM_001318831.2); c.4230G>T, p.Ser1410= (NM_001114382.3); c.3990G>T, p.Ser1330= (NM_001318827.2); c.4131G>T, p.Ser1377= (NM_001318832.2); c.4101G>T, p.Ser1367= (NM_001363528.2); and 26 more.
Identifiers: ClinVar variation 4071169 (VCV004071169.1).